The following is an entry in ClinVar:

NM_021728.4(OTX2):c.753T>A (p.Tyr251Ter)

Gene: OTX2 (orthodenticle homeobox 2; minus strand). Cytogenetic location: 14q22.3.
Variant type: single nucleotide variant.
Coding change: c.753T>A on transcript NM_021728.4 (MANE Select); coding-DNA position 753, T replaced by A.
Protein change: p.Tyr251Ter; replaces tyrosine 251 with a stop codon.
Molecular consequence: nonsense. On other transcripts: non-coding transcript variant (2).
Genome position (GRCh38, 1-based): chr14:56,801,876, A>T on the plus strand (T>A on the coding strand, the complement: OTX2 is on the minus strand). VCF-style: chr14-56801876-A-T. GRCh37 (hg19) VCF-style: chr14-57268594-A-T.
Other names: c.729T>A, p.Tyr243Ter (NM_001270523.2, NM_001270524.2, NM_172337.3); c.753T>A, p.Tyr251Ter (NM_001270525.2); short protein forms Y243*, Y251*.
Identifiers: ClinVar variation 3643792 (VCV003643792.2).

ClinVar aggregate classification (germline): Uncertain significance (1 of 4 stars; one submission).

Conditions:
Anophthalmia-microphthalmia syndrome. Also called: Anophthalmia/Microphthalmia; Anophthalmia - microphthalmia. Identifiers: Orphanet 98555, MedGen C5680330, MONDO:0020147.

Submission:

Labcorp Genetics (formerly Invitae), Labcorp
Classification: Uncertain significance for Anophthalmia-microphthalmia syndrome. Last evaluated: 2024-03-01. Review status: criteria provided, single submitter. Criteria: Invitae Variant Classification Sherloc (09022015). Collection method: clinical testing. Allele origin: germline.
Comment: This sequence change creates a premature translational stop signal (p.Tyr243*) in the OTX2 gene. While this is not anticipated to result in nonsense mediated decay, it is expected to disrupt the last 47 amino acid(s) of the OTX2 protein. This variant is not present in population databases (gnomAD no frequency). This variant has not been reported in the literature in individuals affected with OTX2-related conditions. In summary, the available evidence is currently insufficient to determine the role of this variant in disease. Therefore, it has been classified as a Variant of Uncertain Significance.